The following is an entry in ClinVar:

NM_024664.4(PPCS):c.88C>A (p.Leu30Met)

Genes: PPCS (phosphopantothenoylcysteine synthetase; plus strand), CCDC30 (coiled-coil domain containing 30; plus strand), LOC129930343 (ATAC-STARR-seq lymphoblastoid active region 893; plus strand). Cytogenetic location: 1p34.2.
Variant type: single nucleotide variant.
Coding change: c.88C>A on transcript NM_024664.4 (MANE Select); coding-DNA position 88, C replaced by A.
Protein change: p.Leu30Met; replaces leucine 30 with methionine.
Molecular consequence: missense variant. On other transcripts: 5 prime UTR variant (2), intron variant (5).
Genome position (GRCh38, 1-based): chr1:42,456,653, C>A. VCF-style: chr1-42456653-C-A. GRCh37 (hg19) VCF-style: chr1-42922324-C-A.
Other names: c.-83C>A (NM_001287508.2); c.-605C>A (NM_001287510.2); c.88C>A, p.Leu30Met (NM_001287511.2); c.-984+154C>A (NM_001355226.2); c.-328+154C>A (NM_001287507.1); c.-12+154C>A (NM_001287506.1); c.-12+25C>A (NM_001077447.3); c.-12+70C>A (NM_001287509.2); short protein forms L30M.
Identifiers: ClinVar variation 2121056 (VCV002121056.4), dbSNP rs1265978840, ClinGen allele CA339943632.
Genomic context (GRCh38, chr1:42,456,653, plus strand): 5'-TTCCCCCAGCCTCCCGGTGCTGCGCGCTGGGCTGAGGTTATGGCTCGCTTCGCGGCCAGG[C>A]TGGGCGCGCAGGGCCGGCGGGTGGTGTTGGTTACGTCAGGCGGCACCAAGGTCCCACTGG-3'
Protein context (NP_078940.2, residues 20-40): AEVMARFAAR[Leu30Met]GAQGRRVVLV

ClinVar aggregate classification (germline): Uncertain significance (1 of 4 stars; one submission).

Submission:

Labcorp Genetics (formerly Invitae), Labcorp
Classification: Uncertain significance. Last evaluated: 2023-11-27. Review status: criteria provided, single submitter. Criteria: Invitae Variant Classification Sherloc (09022015). Collection method: clinical testing. Allele origin: germline.
Comment: This sequence change replaces leucine, which is neutral and non-polar, with methionine, which is neutral and non-polar, at codon 30 of the PPCS protein (p.Leu30Met). This variant is not present in population databases (gnomAD no frequency). This variant has not been reported in the literature in individuals affected with PPCS-related conditions. ClinVar contains an entry for this variant (Variation ID: 2121056). Advanced modeling of protein sequence and biophysical properties (such as structural, functional, and spatial information, amino acid conservation, physicochemical variation, residue mobility, and thermodynamic stability) performed at Invitae indicates that this missense variant is not expected to disrupt PPCS protein function with a negative predictive value of 80%. In summary, the available evidence is currently insufficient to determine the role of this variant in disease. Therefore, it has been classified as a Variant of Uncertain Significance.